The following is an entry in ClinVar:

NM_130811.4(SNAP25):c.462C>T (p.Ser154=)

Gene: SNAP25 (synaptosome associated protein 25; plus strand). Cytogenetic location: 20p12.2.
Variant type: single nucleotide variant.
Coding change: c.462C>T on transcript NM_130811.4 (MANE Select); coding-DNA position 462, C replaced by T.
Protein change: p.Ser154=; no amino-acid change (serine 154 retained).
Molecular consequence: synonymous variant.
Genome position (GRCh38, 1-based): chr20:10,299,322, C>T. VCF-style: chr20-10299322-C-T. GRCh37 (hg19) VCF-style: chr20-10279970-C-T.
Other names: c.462C>T, p.Ser154= (NM_001322902.2, NM_001322903.2, NM_001322904.2 and 7 more transcripts); c.462C>T (NM_130811.3).
Identifiers: ClinVar variation 542729 (VCV000542729.17), dbSNP rs201639889, ClinGen allele CA9763384.
Genomic context (GRCh38, chr20:10,299,322, plus strand): 5'-TCCCAGGGTAACAAATGATGCCCGAGAAAATGAAATGGATGAAAACCTAGAGCAGGTGAG[C>T]GGCATCATCGGGAACCTCCGTCACATGGCCCTGGATATGGGCAATGAGATCGATACACAG-3'
Protein context (NP_570824.1, residues 144-164): NEMDENLEQV[Ser154=]GIIGNLRHMA

ClinVar aggregate classification (germline): Likely benign. Review status: criteria provided, multiple submitters, no conflicts (2 of 4 stars). 3 submissions from 3 submitters: Likely benign (2). 1 of the submissions does not count toward it. Last evaluated 2026-01-27.

Conditions:
Inborn genetic diseases. Identifiers: MedGen C0950123, MeSH D030342.
Congenital myasthenic syndrome 18. Also called: MYASTHENIC SYNDROME, CONGENITAL, 18, WITH INTELLECTUAL DISABILITY AND ATAXIA. Identifiers: Orphanet 590, MedGen C4225364, MONDO:0014590, OMIM 616330.
SNAP25-related disorder.

Allele frequency attached by ClinVar (database versions not stated): gnomAD exomes 0.00006 and 0.00004; TOPMed 0.00008; gnomAD 0.00004 and 0.00005; ExAC 0.00005.
gnomAD v4.1: 93 of 1,613,784 alleles (0.0058%); highest among the groups gnomAD compares: Non-Finnish European, 0.0058%; no homozygotes.

Submissions (3):

Labcorp Genetics (formerly Invitae), Labcorp
Classification: Likely benign for Congenital myasthenic syndrome 18. Last evaluated: 2026-01-27. Review status: criteria provided, single submitter. Criteria: Invitae Variant Classification Sherloc (09022015). Collection method: clinical testing. Allele origin: germline.

Ambry Genetics
Classification: Likely benign for Inborn genetic diseases. Last evaluated: 2017-04-26. Review status: criteria provided, single submitter. Criteria: Ambry Variant Classification Scheme 2023. Collection method: clinical testing. Allele origin: germline.

PreventionGenetics, part of Exact Sciences
Classification: Likely benign for SNAP25-related condition. Last evaluated: 2022-03-31. Review status: no assertion criteria provided. Collection method: clinical testing. Allele origin: germline. Not counted in ClinVar's aggregate classification.
Comment: This variant is classified as likely benign based on ACMG/AMP sequence variant interpretation guidelines (Richards et al. 2015 PMID: 25741868, with internal and published modifications).